The following is an entry in ClinVar:

NC_000015.9:g.(?_82545012)_(82554119_?)dup

Gene: EFL1 (elongation factor like GTPase 1; minus strand). Cytogenetic location: 15q25.2.
Variant type: Duplication.
Identifiers: ClinVar variation 2426836 (VCV002426836.4).

ClinVar aggregate classification (germline): Uncertain significance (1 of 4 stars; one submission).

Submission:

Labcorp Genetics (formerly Invitae), Labcorp
Classification: Uncertain significance. Last evaluated: 2022-06-13. Review status: criteria provided, single submitter. Criteria: Invitae Variant Classification Sherloc (09022015). Collection method: clinical testing. Allele origin: germline.
Comment: In summary, the available evidence is currently insufficient to determine the role of this variant in disease. Therefore, it has been classified as a Variant of Uncertain Significance. Experimental studies and prediction algorithms are not available or were not evaluated, and the functional significance of this variant is currently unknown. This variant has not been reported in the literature in individuals affected with EFL1-related conditions. This variant results in a copy number gain of the genomic region encompassing exon(s) 2-4 of the EFL1 gene. This region includes the initiator codon of the gene. This copy number gain extends beyond the assayed region for this gene and therefore may encompass additional genes. As the precise location of this event is unknown, it may be in tandem or it may be located elsewhere in the genome.